The following is an entry in ClinVar:

NM_000204.5(CFI):c.1381T>C (p.Phe461Leu)

Gene: CFI (complement factor I; minus strand). Cytogenetic location: 4q25.
Variant type: single nucleotide variant.
Coding change: c.1381T>C on transcript NM_000204.5 (MANE Select); coding-DNA position 1381, T replaced by C.
Protein change: p.Phe461Leu; replaces phenylalanine 461 with leucine.
Molecular consequence: missense variant. On other transcripts: non-coding transcript variant (2).
Genome position (GRCh38, 1-based): chr4:109,746,270, A>G on the plus strand (T>C on the coding strand, the complement: CFI is on the minus strand). VCF-style: chr4-109746270-A-G. GRCh37 (hg19) VCF-style: chr4-110667426-A-G.
Other names: c.1405T>C, p.Phe469Leu (NM_001318057.2, NM_001375278.1); c.1360T>C, p.Phe454Leu (NM_001331035.2, NM_001375280.1, NM_001375282.1); c.1381T>C, p.Phe461Leu (NM_001375279.1, NM_001375281.1); c.1324T>C, p.Phe442Leu (NM_001375283.1); c.772T>C, p.Phe258Leu (NM_001375284.1); short protein forms F461L, F454L, F469L, F258L, F442L.
Identifiers: ClinVar variation 347155 (VCV000347155.8), dbSNP rs886058983, ClinGen allele CA10619837.
Genomic context (GRCh38, chr4:109,746,270, plus strand): 5'-TAAAACATATACCTTTTTCTCGTCCCCAGCCAGAAACGATGCATGTATCATTAGGTTGGA[A>G]TAGGTAAGGAGACCAGGGGACACAGGCAGGGATGGAACGAGGCAGCTCACAATCTTTTTT-3'
Protein context (NP_000195.3, residues 451-471): PACVPWSPYL[Phe461Leu]QPNDTCIVSG

ClinVar aggregate classification (germline): Uncertain significance. Review status: criteria provided, multiple submitters, no conflicts (2 of 4 stars). 2 submissions from 2 submitters: Uncertain significance (2). Last evaluated 2023-11-11.

Conditions:
Atypical hemolytic-uremic syndrome with I factor anomaly. Also called: HEMOLYTIC UREMIC SYNDROME, ATYPICAL, SUSCEPTIBILITY TO, 3; AHUS, SUSCEPTIBILITY TO, 3. Identifiers: Orphanet 2134, MedGen C2752039, MONDO:0013041, OMIM 612923.

Allele frequency attached by ClinVar (database versions not stated): gnomAD exomes below 0.00001; TOPMed 0.00001.
gnomAD v4.1: 2 of 1,614,184 alleles (0.00012%); highest among the groups gnomAD compares: Middle Eastern, 0.016%; no homozygotes.

Submissions (2):

Labcorp Genetics (formerly Invitae), Labcorp
Classification: Uncertain significance. Last evaluated: 2023-11-11. Review status: criteria provided, single submitter. Criteria: Invitae Variant Classification Sherloc (09022015). Collection method: clinical testing. Allele origin: germline.
Comment: This sequence change replaces phenylalanine, which is neutral and non-polar, with leucine, which is neutral and non-polar, at codon 461 of the CFI protein (p.Phe461Leu). This variant is present in population databases (no rsID available, gnomAD 0.0009%). This variant has not been reported in the literature in individuals affected with CFI-related conditions. ClinVar contains an entry for this variant (Variation ID: 347155). Advanced modeling of protein sequence and biophysical properties (such as structural, functional, and spatial information, amino acid conservation, physicochemical variation, residue mobility, and thermodynamic stability) performed at Invitae indicates that this missense variant is expected to disrupt CFI protein function with a positive predictive value of 80%. In summary, the available evidence is currently insufficient to determine the role of this variant in disease. Therefore, it has been classified as a Variant of Uncertain Significance.

Illumina Laboratory Services, Illumina
Classification: Uncertain significance for Atypical hemolytic-uremic syndrome with I factor anomaly. Last evaluated: 2018-01-12. Review status: criteria provided, single submitter. Criteria: ICSL Variant Classification Criteria 13 December 2019. Collection method: clinical testing. Allele origin: germline.